The following is an entry in ClinVar:

NM_001170700.3(DTHD1):c.1413C>G (p.Asp471Glu)

Gene: DTHD1 (death domain containing 1; plus strand). Cytogenetic location: 4p14.
Variant type: single nucleotide variant.
Coding change: c.1413C>G on transcript NM_001170700.3 (MANE Select); coding-DNA position 1413, C replaced by G.
Protein change: p.Asp471Glu; replaces aspartic acid 471 with glutamic acid.
Molecular consequence: missense variant. On other transcripts: non-coding transcript variant (2).
Genome position (GRCh38, 1-based): chr4:36,294,809, C>G. VCF-style: chr4-36294809-C-G. GRCh37 (hg19) VCF-style: chr4-36296431-C-G.
Other names: c.543C>G, p.Asp181Glu (NM_001136536.5); c.480C>G, p.Asp160Glu (NM_001378435.1); short protein forms D160E, D471E, D181E.
Identifiers: ClinVar variation 966111 (VCV000966111.9), dbSNP rs745581607, ClinGen allele CA2885640.

ClinVar aggregate classification (germline): Uncertain significance (1 of 4 stars; one submission).

Allele frequency attached by ClinVar (database versions not stated): gnomAD below 0.00001 and 0.00001; gnomAD exomes 0.00001 and 0.00002; ExAC 0.00004.
gnomAD v4.1: 25 of 1,546,156 alleles (0.0016%); highest among the groups gnomAD compares: South Asian, 0.027%; no homozygotes.

Submission:

Labcorp Genetics (formerly Invitae), Labcorp
Classification: Uncertain significance. Last evaluated: 2025-08-03. Review status: criteria provided, single submitter. Criteria: Invitae Variant Classification Sherloc (09022015). Collection method: clinical testing. Allele origin: germline.
Comment: This sequence change replaces aspartic acid, which is acidic and polar, with glutamic acid, which is acidic and polar, at codon 181 of the DTHD1 protein (p.Asp181Glu). This variant is present in population databases (rs745581607, gnomAD 0.009%). This variant has not been reported in the literature in individuals affected with DTHD1-related conditions. ClinVar contains an entry for this variant (Variation ID: 966111). An algorithm developed to predict the effect of missense changes on protein structure and function outputs the following: PolyPhen-2: "Benign". The glutamic acid amino acid residue is found in multiple mammalian species, which suggests that this missense change does not adversely affect protein function. In summary, the available evidence is currently insufficient to determine the role of this variant in disease. Therefore, it has been classified as a Variant of Uncertain Significance.